The following is an entry in ClinVar:

ClinVar aggregate classification (germline): Conflicting classifications of pathogenicity. Review status: criteria provided, conflicting classifications (1 of 4 stars). 4 submissions from 4 submitters: Uncertain significance (3); Likely benign (1). Last evaluated 2023-05-26.

Allele frequency attached by ClinVar (database versions not stated): ExAC 0.00001.
gnomAD v4.1: 30 of 1,612,466 alleles (0.0019%); highest among the groups gnomAD compares: Non-Finnish European, 0.0025%; no homozygotes.

Submissions (4):

Blueprint Genetics
Classification: Uncertain significance. Last evaluated: 2023-05-26. Review status: criteria provided, single submitter. Criteria: ACMG Guidelines, 2015. Collection method: clinical testing. Allele origin: germline.

Labcorp Genetics (formerly Invitae), Labcorp
Classification: Uncertain significance. Last evaluated: 2023-05-22. Review status: criteria provided, single submitter. Criteria: Invitae Variant Classification Sherloc (09022015). Collection method: clinical testing. Allele origin: germline.
Comment: This variant has not been reported in the literature in individuals affected with RAI1-related conditions. In summary, the available evidence is currently insufficient to determine the role of this variant in disease. Therefore, it has been classified as a Variant of Uncertain Significance. Advanced modeling of protein sequence and biophysical properties (such as structural, functional, and spatial information, amino acid conservation, physicochemical variation, residue mobility, and thermodynamic stability) performed at Invitae indicates that this missense variant is not expected to disrupt RAI1 protein function. ClinVar contains an entry for this variant (Variation ID: 436497). This variant is present in population databases (rs754379238, gnomAD 0.002%). This sequence change replaces asparagine, which is neutral and polar, with lysine, which is basic and polar, at codon 977 of the RAI1 protein (p.Asn977Lys).

GeneDx
Classification: Likely benign. Last evaluated: 2019-04-18. Review status: criteria provided, single submitter. Criteria: GeneDx Variant Classification Process June 2021. Collection method: clinical testing. Allele origin: germline. Affected: yes.
Comment: In silico analysis, which includes protein predictors and evolutionary conservation, supports that this variant does not alter protein structure/function; Has not been previously published as pathogenic or benign to our knowledge

Genetic Services Laboratory, University of Chicago
Classification: Uncertain significance. Last evaluated: 2016-08-03. Review status: criteria provided, single submitter. Criteria: ACMG Guidelines, 2015. Collection method: clinical testing. Allele origin: germline. Affected: no.

NM_030665.4(RAI1):c.2931C>A (p.Asn977Lys)

Gene: RAI1 (retinoic acid induced 1; plus strand). Cytogenetic location: 17p11.2.
Variant type: single nucleotide variant.
Coding change: c.2931C>A on transcript NM_030665.4 (MANE Select); coding-DNA position 2931, C replaced by A.
Protein change: p.Asn977Lys; replaces asparagine 977 with lysine.
Molecular consequence: missense variant.
Genome position (GRCh38, 1-based): chr17:17,795,879, C>A. VCF-style: chr17-17795879-C-A. GRCh37 (hg19) VCF-style: chr17-17699193-C-A.
Other names: short protein forms N977K.
Identifiers: ClinVar variation 436497 (VCV000436497.14), dbSNP rs754379238, ClinGen allele CA8418634.
Genomic context (GRCh38, chr17:17,795,879, plus strand): 5'-TGGGGAGCGAGCTCCAGGGGATTCCACCACCTCGGACGCCTCTCTGGCCCAGAAGCCCAA[C>A]AAGCCTGCTGTGCCCGAGGCGCCCATCGCAAAGAAAGAGCCTGTGCCACGGGGCAAAAGC-3'
Protein context (NP_109590.3, residues 967-987): TSDASLAQKP[Asn977Lys]KPAVPEAPIA